The following is an entry in ClinVar:

ClinVar aggregate classification (germline): Pathogenic/Likely pathogenic. Review status: criteria provided, multiple submitters, no conflicts (2 of 4 stars). 14 submissions from 14 submitters: Pathogenic (8); Likely pathogenic (4). 2 of the submissions do not count toward it. Last evaluated 2025-11-05.

Conditions:
Inherited breast cancer and ovarian cancer.
Pancreatic cancer, susceptibility to, 2. Identifiers: Orphanet 1333, MedGen C3150546, MONDO:0013235, OMIM 613347.
Glioma susceptibility 3 (GLM3). Also called: Glioblastoma 3. Identifiers: Orphanet 182067, Orphanet 360, MedGen C2751641, MONDO:0013093, OMIM 613029.
Familial prostate cancer. Also called: Hereditary Prostate Cancer. Identifiers: MedGen C2931456, MONDO:0700275, OMIM 176807.
Breast-ovarian cancer, familial, susceptibility to, 2 (BROVCA2). Also called: BRCA2 Hereditary Breast and Ovarian Cancer. Identifiers: Orphanet 145, MedGen C2675520, MONDO:0012933, OMIM 612555. Disease mechanism: loss of function.
Fanconi anemia complementation group D1. Also called: BRCA2-Related Fanconi Anemia. Identifiers: Orphanet 319462, MedGen C1838457, MONDO:0011584, OMIM 605724.
Medulloblastoma (MDB). Also called: Medulloblastoma, somatic; MEDULLOBLASTOMA PREDISPOSITION SYNDROME. Identifiers: Orphanet 616, MedGen C0025149, MeSH D008527, MONDO:0007959, OMIM 155255, HP:0002885.
Wilms tumor 1 (WT1). Also called: Wilms tumor, somatic. Identifiers: Orphanet 654, MedGen CN033288, MONDO:0008679, OMIM 194070.
Familial cancer of breast. Also called: BREAST CANCER, FAMILIAL; hereditary breast carcinoma; Hereditary breast cancer. Identifiers: Orphanet 227535, MedGen C0346153, MONDO:0016419, OMIM 114480. Disease mechanism: loss of function.
BRCA2-related disorder. Also called: BRCA2-related condition; BRCA2-related disorders. Identifiers: MedGen CN239275.
Hereditary cancer-predisposing syndrome. Also called: Neoplastic Syndromes, Hereditary; Tumor predisposition; Hereditary Cancer Syndrome; Hereditary neoplastic syndrome. Identifiers: Orphanet 140162, MedGen C0027672, MeSH D009386, MONDO:0015356.
Hereditary breast ovarian cancer syndrome. Also called: Breast and ovarian cancer; Hereditary breast and ovarian cancer; Hereditary breast and ovarian cancer syndrome (HBOC); Hereditary breast and ovarian cancer syndrome; BRCA1- and BRCA2-Associated Hereditary Breast and Ovarian Cancer; Hereditary breast and/or ovarian cancer syndrome. Identifiers: Orphanet 145, MedGen C0677776, MeSH D061325, MONDO:0003582. Disease mechanism: loss of function.

Allele frequency attached by ClinVar (database versions not stated): gnomAD exomes below 0.00001.
gnomAD v4.1: 1 of 1,610,994 alleles (0.000062%); highest among the groups gnomAD compares: Non-Finnish European, 0.000085%; no homozygotes.

Submissions 1 to 9 of 14:

Color Diagnostics, LLC DBA Color Health
Classification: Likely pathogenic for Hereditary cancer-predisposing syndrome. Last evaluated: 2025-11-05. Review status: criteria provided, single submitter. Criteria: ACMG Guidelines, 2015. Collection method: clinical testing. Allele origin: germline.
Comment: This variant causes a G>A nucleotide substitution at the +1 position of intron 18 splice donor site of the BRCA2 gene. Analysis on carrier-derived RNA has reported aberrant splicing that is expected to result in absent or nonfunctional protein product, however, the splicing defect appears to be incomplete or leaky (PMID: 30832263). Functional studies that incorporate splicing has reported deleterious impact on BRCA2 in the rescue of cell survival and sensitivity assays to cisplatin and PARP inhibitor and in a haploid cell proliferation assay (PMID: 39779848, 39779857). Multifactorial analysis reached a combined likelihood ratio (LR) of 80.47 based on co-occurrence with a pathogenic variant LR, case-control LR and personal and family history LR for one carrier (PMID: 31131967, 31853058, 40413188). This variant has been identified in 1/1610994 chromosomes in the general population by the Genome Aggregation Database (gnomAD). The report of incomplete splicing defects caused by the variant suggests the possibility for incomplete penetrance. Loss of BRCA2 function is a known mechanism of disease. Based on the available evidence, this variant is classified as Likely Pathogenic.

Genetics Laboratory, Great Ormond Street Hospital NHS Foundation Trust, North Thames Genomic Laboratory Hub
Classification: Likely pathogenic for Inherited breast cancer and ovarian cancer. Last evaluated: 2025-10-21. Review status: criteria provided, single submitter. Criteria: CanVIG BRCA Gene Specific V1.22. Collection method: clinical testing. Allele origin: germline. Affected: yes.
Comment: PS4_supporting, PM2_supporting, PVS1_strong, PP4_supporting

GeneKor MSA
Classification: Pathogenic for Hereditary breast ovarian cancer syndrome. Last evaluated: 2025-06-24. Review status: criteria provided, single submitter. Criteria: ACMG Guidelines, 2015. Collection method: clinical testing. Allele origin: germline.
Comment: This sequence change occurs one base after exon 18 of the BRCA2 gene. This position is highly conserved in the human and other genomes and is crucial in mRNA processing. Therefore, this mutation is expected to disrupt RNA splicing and likely results in an absent or disrupted protein product. This variant is not present in population databases (rs81002837).The mutation database ClinVar contains entries for this variant where it is listed as pathogenic. (VCV000038154.22). Based on the classification criteria set by the ACMG and AMP (PMID:25741868) this variant has been classified as pathogenic.

Ambry Genetics
Classification: Likely pathogenic for Hereditary cancer-predisposing syndrome. Last evaluated: 2025-02-28. Review status: criteria provided, single submitter. Criteria: Ambry Variant Classification Scheme 2023. Collection method: clinical testing. Allele origin: germline.
Comment: The c.8331+1G>A intronic variant (also known as IVS18+1G>A) results from a G to A one nucleotide after coding exon 17 of the BRCA2 gene. This nucleotide position is highly conserved in available vertebrate species. In silico splice site analysis predicts that this alteration will weaken the native splice donor site. RNA studies have demonstrated that this alteration results in substantial, but incomplete splice defects as ascertained by multiple quantitative analyses (Ambry internal data; Gelli E et al. Cancers (Basel), 2019 Mar;11; Nix P et al. Fam Cancer, 2021 Jan;). Furthermore, the close match alteration BRCA2 c.8331+2T>C was observed in individuals who collectively do not present with a clinical history seen in typical high-risk hereditary breast and ovarian cancer (HBOC) variant carriers (Nix P et al. Fam Cancer, 2021 Jan;). However, these data cannot rule out the possibility of a hypomorphic variant with atypical risks. Based on the majority of available evidence to date, this variant is likely to be pathogenic. However, carriers of this variant and their families may present with reduced risks, and not with the typical clinical characteristics of a high-risk pathogenic BRCA2 alteration. As risk estimates are unknown at this time, clinical correlation is advised.

Labcorp Genetics (formerly Invitae), Labcorp
Classification: Pathogenic for Hereditary breast ovarian cancer syndrome. Last evaluated: 2024-11-20. Review status: criteria provided, single submitter. Criteria: Invitae Variant Classification Sherloc (09022015). Collection method: clinical testing. Allele origin: germline.
Comment: This sequence change affects a donor splice site in intron 18 of the BRCA2 gene. It is expected to disrupt RNA splicing. Variants that disrupt the donor or acceptor splice site typically lead to a loss of protein function (PMID: 16199547), and loss-of-function variants in BRCA2 are known to be pathogenic (PMID: 20104584). This variant is not present in population databases (gnomAD no frequency). Disruption of this splice site has been observed in individual(s) with breast cancer (PMID: 21614564, 26681312, 28008555). ClinVar contains an entry for this variant (Variation ID: 38154). Studies have shown that disruption of this splice site alters mRNA splicing and is expected to lead to the loss of protein expression (PMID: 28339459). For these reasons, this variant has been classified as Pathogenic.

Quest Diagnostics Nichols Institute San Juan Capistrano
Classification: Pathogenic. Last evaluated: 2024-07-04. Review status: criteria provided, single submitter. Criteria: Quest Diagnostics criteria. Collection method: clinical testing. Allele origin: unknown.
Comment: The BRCA2 c.8331+1G>A variant disrupts a canonical splice-donor site and interferes with normal BRCA2 mRNA splicing. This variant has been reported in the published literature in individuals with breast and/or ovarian cancer (PMIDs: 21614564 (2012), 28008555 (2017), 29752822 (2018), 31825140 (2019), 35918668 (2022), 36367610 (2023), and 38167124 (2024)). A functional study demonstrated that this variant caused a partial damaging effect on splicing (PMID: 30832263 (2019)). This variant has not been reported in large, multi-ethnic general populations (Genome Aggregation Database). Based on the available information, this variant is classified as pathogenic.

Blueprint Genetics
Classification: Pathogenic for BRCA2-related disorders. Last evaluated: 2023-10-03. Review status: criteria provided, single submitter. Criteria: ACMG Guidelines, 2015. Collection method: clinical testing. Allele origin: germline. Affected: yes. Observed: 2 variant alleles.

Baylor Genetics
Classification: Pathogenic for Familial cancer of breast. Last evaluated: 2022-10-14. Review status: criteria provided, single submitter. Criteria: ACMG Guidelines, 2015. Collection method: clinical testing. Allele origin: unknown.

Department of Pathology and Laboratory Medicine, Sinai Health System
Classification: Pathogenic for Familial cancer of breast; Medulloblastoma; Familial prostate cancer; Wilms tumor 1; Fanconi anemia complementation group D1; Breast-ovarian cancer, familial, susceptibility to, 2; Glioma susceptibility 3; Pancreatic cancer, susceptibility to, 2. Last evaluated: 2021-07-05. Review status: criteria provided, single submitter. Criteria: ACMG Guidelines, 2015. Collection method: clinical testing. Allele origin: germline.

NM_000059.4(BRCA2):c.8331+1G>A

Gene: BRCA2 (BRCA2 DNA repair associated; plus strand). Cytogenetic location: 13q13.1.
Variant type: single nucleotide variant.
Coding change: c.8331+1G>A on transcript NM_000059.4 (MANE Select); the canonical splice donor site of the intron after coding-DNA position 8331, G replaced by A.
Molecular consequence: splice donor variant.
Genome position (GRCh38, 1-based): chr13:32,363,534, G>A. VCF-style: chr13-32363534-G-A. GRCh37 (hg19) VCF-style: chr13-32937671-G-A.
Other names: IVS18+1G>A; c.8331+1G>A (NM_001406720.1); c.8235+1G>A (NM_001406719.1); c.3399+1G>A (NM_001406721.1); c.1914+1G>A (NM_001406722.1).
Identifiers: ClinVar variation 38154 (VCV000038154.28), dbSNP rs81002837, ClinGen allele CA025578.